The following is an entry in ClinVar:

ClinVar aggregate classification (germline): Uncertain significance (1 of 4 stars; one submission).

Conditions:
HOXA11-related disorder. Also called: HOXA11-related condition.

gnomAD v4.1: 3 of 1,612,672 alleles (0.00019%); highest among the groups gnomAD compares: Non-Finnish European, 0.00025%; no homozygotes.

Submission:

PreventionGenetics, part of Exact Sciences
Classification: Uncertain significance for HOXA11-related condition. Last evaluated: 2025-10-06. Review status: criteria provided, single submitter. Criteria: ACMG Guidelines, 2015. Collection method: clinical testing. Allele origin: germline.
Comment: The HOXA11 c.472G>A variant is predicted to result in the amino acid substitution p.Asp158Asn. To our knowledge, this variant has not been reported in the literature or in a large population database (gnomAD), indicating this variant is rare. At this time, the clinical significance of this variant is uncertain due to the absence of conclusive functional and genetic evidence.

NM_005523.6(HOXA11):c.472G>A (p.Asp158Asn)

Genes: HOXA11 (homeobox A11; minus strand), LOC107126281 (NUP98-HOXA11 recombination region; plus strand). Cytogenetic location: 7p15.2.
Variant type: single nucleotide variant.
Coding change: c.472G>A on transcript NM_005523.6 (MANE Select); coding-DNA position 472, G replaced by A.
Protein change: p.Asp158Asn; replaces aspartic acid 158 with asparagine.
Molecular consequence: missense variant.
Genome position (GRCh38, 1-based): chr7:27,184,673, C>T on the plus strand (G>A on the coding strand, the complement: HOXA11 is on the minus strand). VCF-style: chr7-27184673-C-T. GRCh37 (hg19) VCF-style: chr7-27224292-C-T.
Other names: short protein forms D158N.
Identifiers: ClinVar variation 5001905 (VCV005001905.1).